The following is an entry in ClinVar:

NM_015047.3(EMC1):c.1967G>A (p.Arg656Gln)

Genes: EMC1 (ER membrane protein complex subunit 1; minus strand), EMC1-AS1 (EMC1 antisense RNA 1; plus strand). Cytogenetic location: 1p36.13.
Variant type: single nucleotide variant.
Coding change: c.1967G>A on transcript NM_015047.3 (MANE Select); coding-DNA position 1967, G replaced by A.
Protein change: p.Arg656Gln; replaces arginine 656 with glutamine.
Molecular consequence: missense variant.
Genome position (GRCh38, 1-based): chr1:19,230,941, C>T on the plus strand (G>A on the coding strand, the complement: EMC1 is on the minus strand). VCF-style: chr1-19230941-C-T. GRCh37 (hg19) VCF-style: chr1-19557435-C-T.
Other names: c.1964G>A, p.Arg655Gln (NM_001271427.2, NM_001271428.2); c.1901G>A, p.Arg634Gln (NM_001271429.2); c.1976G>A, p.Arg659Gln (NM_001375820.1); c.1973G>A, p.Arg658Gln (NM_001375821.1); c.1967G>A (NM_015047.1); short protein forms R634Q, R655Q, R658Q, R656Q, R659Q.
Identifiers: ClinVar variation 2144835 (VCV002144835.5), dbSNP rs369860477, ClinGen allele CA652440.
Genomic context (GRCh38, chr1:19,230,941, plus strand): 5'-GCATCCACCAAATAGAAGAAGATGGAAGGGGCAAGCTCATGTAGCTGTCGCAAGACATTC[C>T]GAGTGGCTGGAAAAGCTGTGACCTTGAAAAACCCAGAGAGCCCAAGGAAAGAGTTAGGAA-3'
Protein context (NP_055862.1, residues 646-666): EYKVTAFPAT[Arg656Gln]NVLRQLHELA

ClinVar aggregate classification (germline): Uncertain significance. Review status: criteria provided, multiple submitters, no conflicts (2 of 4 stars). 2 submissions from 2 submitters: Uncertain significance (2). Last evaluated 2025-08-29.

Conditions:
Inborn genetic diseases. Identifiers: MedGen C0950123, MeSH D030342.

Allele frequency attached by ClinVar (database versions not stated): ExAC 0.00001; gnomAD 0.00001; gnomAD exomes 0.00001; TOPMed 0.00002; ESP Exome Variant Server 0.00008.

Submissions (2):

Labcorp Genetics (formerly Invitae), Labcorp
Classification: Uncertain significance. Last evaluated: 2025-08-29. Review status: criteria provided, single submitter. Criteria: Invitae Variant Classification Sherloc (09022015). Collection method: clinical testing. Allele origin: germline.
Comment: This sequence change replaces arginine, which is basic and polar, with glutamine, which is neutral and polar, at codon 656 of the EMC1 protein (p.Arg656Gln). This variant is present in population databases (rs369860477, gnomAD 0.02%). This variant has not been reported in the literature in individuals affected with EMC1-related conditions. ClinVar contains an entry for this variant (Variation ID: 2144835). Invitae Evidence Modeling of protein sequence and biophysical properties (such as structural, functional, and spatial information, amino acid conservation, physicochemical variation, residue mobility, and thermodynamic stability) indicates that this missense variant is not expected to disrupt EMC1 protein function with a negative predictive value of 80%. In summary, the available evidence is currently insufficient to determine the role of this variant in disease. Therefore, it has been classified as a Variant of Uncertain Significance.

Ambry Genetics
Classification: Uncertain significance for Inborn genetic diseases. Last evaluated: 2024-04-04. Review status: criteria provided, single submitter. Criteria: Ambry Variant Classification Scheme 2023. Collection method: clinical testing. Allele origin: germline.